The following is an entry in ClinVar:

NM_000051.4(ATM):c.3434A>G (p.Asp1145Gly)

Gene: ATM (ATM serine/threonine kinase; plus strand). Cytogenetic location: 11q22.3.
Variant type: single nucleotide variant.
Coding change: c.3434A>G on transcript NM_000051.4 (MANE Select); coding-DNA position 3434, A replaced by G.
Protein change: p.Asp1145Gly; replaces aspartic acid 1145 with glycine.
Molecular consequence: missense variant.
Genome position (GRCh38, 1-based): chr11:108,281,026, A>G. VCF-style: chr11-108281026-A-G. GRCh37 (hg19) VCF-style: chr11-108151753-A-G.
Other names: c.3434A>G, p.Asp1145Gly (NM_001351834.2); c.3434A>G (NM_000051.3); short protein forms D1145G.
Identifiers: ClinVar variation 1024796 (VCV001024796.11), dbSNP rs1183646267, ClinGen allele CA382519143.

ClinVar aggregate classification (germline): Uncertain significance. Review status: criteria provided, multiple submitters, no conflicts (2 of 4 stars). 3 submissions from 3 submitters: Uncertain significance (3). Last evaluated 2025-10-13.

Conditions:
Hereditary cancer-predisposing syndrome. Also called: Tumor predisposition; Neoplastic Syndromes, Hereditary; Hereditary neoplastic syndrome; Hereditary Cancer Syndrome. Identifiers: Orphanet 140162, MedGen C0027672, MeSH D009386, MONDO:0015356.
ATM-related cancer predisposition. Also called: ATM-related cancer susceptibility. Identifiers: MedGen CN377759, MONDO:0700270.
Ataxia-telangiectasia syndrome (AT). Also called: Cerebello-oculocutaneous telangiectasia; Immunodeficiency with ataxia telangiectasia; Ataxia-telangiectasia, complementation group E; LOUIS-BAR SYNDROME; Ataxia telangiectasia (A-T); Ataxia-telangiectasia, complementation group D. Identifiers: Orphanet 100, MedGen C0004135, MONDO:0008840, OMIM 208900.

Allele frequency attached by ClinVar (database versions not stated): gnomAD exomes below 0.00001.
gnomAD v4.1: 2 of 1,613,160 alleles (0.00012%); highest among the groups gnomAD compares: Admixed American, 0.0017%; no homozygotes.

Submissions (3):

Ambry Genetics
Classification: Uncertain significance for Hereditary cancer-predisposing syndrome. Last evaluated: 2025-10-13. Review status: criteria provided, single submitter. Criteria: Ambry Variant Classification Scheme 2023. Collection method: clinical testing. Allele origin: germline.
Comment: The p.D1145G variant (also known as c.3434A>G), located in coding exon 23 of the ATM gene, results from an A to G substitution at nucleotide position 3434. The aspartic acid at codon 1145 is replaced by glycine, an amino acid with similar properties. This amino acid position is highly conserved in available vertebrate species. In addition, this alteration is predicted to be deleterious by in silico analysis. Based on the available evidence, the clinical significance of this variant remains unclear.

Dasa
Classification: Uncertain significance for ATM-related cancer predisposition. Last evaluated: 2025-06-22. Review status: criteria provided, single submitter. Criteria: DASA Assertion Criteria. Collection method: clinical testing. Allele origin: germline.
Comment: NM_000051.4(ATM):c.3434A>G (p.Asp1145Gly) is a missense variant that results in the substitution of aspartic acid with glycine. This variant is rare in population databases. Computational prediction algorithms are consistent with a deleterious effect. The currently available literature and clinical evidence are not sufficient to establish a definitive association between this variant and the reported condition. Therefore, this variant is classified as a variant of uncertain significance.

Labcorp Genetics (formerly Invitae), Labcorp
Classification: Uncertain significance for Ataxia-telangiectasia syndrome. Last evaluated: 2022-07-05. Review status: criteria provided, single submitter. Criteria: Invitae Variant Classification Sherloc (09022015). Collection method: clinical testing. Allele origin: germline.
Comment: This variant has not been reported in the literature in individuals affected with ATM-related conditions. The frequency data for this variant in the population databases is considered unreliable, as metrics indicate poor data quality at this position in the gnomAD database. This sequence change replaces aspartic acid, which is acidic and polar, with glycine, which is neutral and non-polar, at codon 1145 of the ATM protein (p.Asp1145Gly). ClinVar contains an entry for this variant (Variation ID: 1024796). In summary, the available evidence is currently insufficient to determine the role of this variant in disease. Therefore, it has been classified as a Variant of Uncertain Significance. Algorithms developed to predict the effect of sequence changes on RNA splicing suggest that this variant may disrupt the consensus splice site. Advanced modeling of protein sequence and biophysical properties (such as structural, functional, and spatial information, amino acid conservation, physicochemical variation, residue mobility, and thermodynamic stability) performed at Invitae indicates that this missense variant is not expected to disrupt ATM protein function.